The following is an entry in ClinVar:

ClinVar aggregate classification (germline): Pathogenic. Review status: criteria provided, multiple submitters, no conflicts (2 of 4 stars). 2 submissions from 2 submitters: Pathogenic (2). Last evaluated 2021-08-10.

Conditions:
Wilson disease (WND). Also called: Wilson's disease. Identifiers: Orphanet 905, MedGen C0019202, MONDO:0010200, OMIM 277900. Disease mechanism: loss of function.

Submissions (2):

Genome-Nilou Lab
Classification: Pathogenic for Wilson disease. Last evaluated: 2021-08-10. Review status: criteria provided, single submitter. Criteria: ACMG Guidelines, 2015. Collection method: clinical testing. Allele origin: germline. Affected: no.

Labcorp Genetics (formerly Invitae), Labcorp
Classification: Pathogenic for Wilson disease. Last evaluated: 2019-11-18. Review status: criteria provided, single submitter. Criteria: Invitae Variant Classification Sherloc (09022015). Collection method: clinical testing. Allele origin: germline.
Comment: For these reasons, this variant has been classified as Pathogenic. Loss-of-function variants in ATP7B are known to be pathogenic (PMID: 10441329, 16283883). This variant has not been reported in the literature in individuals with ATP7B-related conditions. This variant is not present in population databases (ExAC no frequency). This sequence change creates a premature translational stop signal (p.Phe927Leufs*8) in the ATP7B gene. It is expected to result in an absent or disrupted protein product.

Literature cited by the submitters: PubMed 10441329 (cited by Labcorp Genetics (formerly Invitae), Labcorp); PubMed 16283883 (cited by Labcorp Genetics (formerly Invitae), Labcorp).

NM_000053.4(ATP7B):c.2781del (p.Phe927fs)

Gene: ATP7B (ATPase copper transporting beta; minus strand). Cytogenetic location: 13q14.3.
Variant type: Deletion.
Coding change: c.2781del on transcript NM_000053.4 (MANE Select); coding-DNA position 2781, one base deleted (T; older notation c.2781delT).
Protein change: p.Phe927fs; shifts the reading frame from phenylalanine 927.
Molecular consequence: frameshift variant. On other transcripts: intron variant (1).
Genome position (GRCh38, 1-based): chr13:51,949,746, A deleted on the plus strand (T on the coding strand, the reverse complement: ATP7B is on the minus strand); the first of 3 consecutive A bases (chr13:51,949,746-51,949,748); deleting any one gives the same sequence. VCF-style (leftmost placement, unchanged base first): chr13-51949745-TA-T. GRCh37 (hg19) VCF-style: chr13-52523881-TA-T.
Other names: c.2448del, p.Phe816fs (NM_001243182.2); c.2547del, p.Phe849fs (NM_001330578.2); c.2529del, p.Phe843fs (NM_001330579.2); c.2244+261del (NM_001005918.3); short protein forms F843fs, F927fs, F816fs, F849fs.
Identifiers: ClinVar variation 847147 (VCV000847147.9), dbSNP rs1957877283, ClinGen allele CA916083357.